The following is an entry in ClinVar:

ClinVar aggregate classification (germline): Uncertain significance (1 of 4 stars; one submission).

Conditions:
Cardiovascular phenotype. Identifiers: MedGen CN230736.

Allele frequency attached by ClinVar (database versions not stated): gnomAD exomes below 0.00001.
gnomAD v4.1: 1 of 1,612,534 alleles (0.000062%); highest among the groups gnomAD compares: Non-Finnish European, 0.000085%; no homozygotes.

Submission:

Ambry Genetics
Classification: Uncertain significance for Cardiovascular phenotype. Last evaluated: 2022-10-17. Review status: criteria provided, single submitter. Criteria: Ambry Variant Classification Scheme 2023. Collection method: clinical testing. Allele origin: germline.
Comment: The p.Q1365K variant (also known as c.4093C>A), located in coding exon 23 of the DSP gene, results from a C to A substitution at nucleotide position 4093. The glutamine at codon 1365 is replaced by lysine, an amino acid with similar properties. This amino acid position is conserved. In addition, this alteration is predicted to be tolerated by in silico analysis. Since supporting evidence is limited at this time, the clinical significance of this alteration remains unclear.

NM_004415.4(DSP):c.4093C>A (p.Gln1365Lys)

Gene: DSP (desmoplakin; plus strand). Cytogenetic location: 6p24.3.
Variant type: single nucleotide variant.
Coding change: c.4093C>A on transcript NM_004415.4 (MANE Select); coding-DNA position 4093, C replaced by A.
Protein change: p.Gln1365Lys; replaces glutamine 1365 with lysine.
Molecular consequence: missense variant. On other transcripts: intron variant (2).
Genome position (GRCh38, 1-based): chr6:7,580,283, C>A. VCF-style: chr6-7580283-C-A. GRCh37 (hg19) VCF-style: chr6-7580516-C-A.
Other names: c.4050+43C>A (NM_001319034.2); c.3582+511C>A (NM_001008844.3); short protein forms Q1365K.
Identifiers: ClinVar variation 1737765 (VCV001737765.2), dbSNP rs2533927400, ClinGen allele CA362685539.